The following is an entry in ClinVar:

NM_003737.4(DCHS1):c.6209G>T (p.Arg2070Leu)

Gene: DCHS1 (dachsous cadherin-related 1; minus strand). Cytogenetic location: 11p15.4.
Variant type: single nucleotide variant.
Coding change: c.6209G>T on transcript NM_003737.4 (MANE Select); coding-DNA position 6209, G replaced by T.
Protein change: p.Arg2070Leu; replaces arginine 2070 with leucine.
Molecular consequence: missense variant.
Genome position (GRCh38, 1-based): chr11:6,626,830, C>A on the plus strand (G>T on the coding strand, the complement: DCHS1 is on the minus strand). VCF-style: chr11-6626830-C-A. GRCh37 (hg19) VCF-style: chr11-6648061-C-A.
Other names: short protein forms R2070L.
Identifiers: ClinVar variation 1033608 (VCV001033608.1), dbSNP rs773052564, ClinGen allele CA379388780.

ClinVar aggregate classification (germline): Uncertain significance (1 of 4 stars; one submission).

Conditions:
Mitral valve prolapse, myxomatous 2. Also called: MMVP2; Mitral valve prolapse 2. Identifiers: MedGen C1843003, MONDO:0011915, OMIM 607829.

Allele frequency attached by ClinVar (database versions not stated): gnomAD 0.00001; TOPMed 0.00001.
gnomAD v4.1: 1 of 1,612,982 alleles (0.000062%); highest among the groups gnomAD compares: Non-Finnish European, 0.000085%; no homozygotes.

Submission:

Baylor Genetics
Classification: Uncertain significance for Mitral valve prolapse, myxomatous 2. Last evaluated: 2018-02-06. Review status: criteria provided, single submitter. Criteria: ACMG Guidelines, 2015. Collection method: clinical testing. Allele origin: maternal. Affected: yes.
Comment: This variant was determined to be of uncertain significance according to ACMG Guidelines, 2015 [PMID:25741868].